The following is an entry in ClinVar:

ClinVar aggregate classification (germline): Pathogenic. Review status: criteria provided, multiple submitters, no conflicts (2 of 4 stars). 2 submissions from 2 submitters: Pathogenic (2). Last evaluated 2025-10-29.

Conditions:
Ciliary dyskinesia, primary, 37 (CILD37). Also called: CILIARY DYSKINESIA, PRIMARY, 37, WITH OR WITHOUT SITUS INVERSUS. Identifiers: MedGen C4539798, MONDO:0033204, OMIM 617577.
Microcephaly-intellectual disability-sensorineural hearing loss-epilepsy-abnormal muscle tone syndrome (NEDHSB). Also called: NEURODEVELOPMENTAL DISORDER WITH HEARING LOSS, SEIZURES, AND BRAIN ABNORMALITIES. Identifiers: Orphanet 457351, MedGen C4225276, MONDO:0014698, OMIM 616577.

Allele frequency attached by ClinVar (database versions not stated): ExAC 0.00002; gnomAD exomes 0.00002.
gnomAD v4.1: 6 of 1,614,126 alleles (0.00037%); highest among the groups gnomAD compares: Admixed American, 0.0067%; no homozygotes.

Submissions (2):

Labcorp Genetics (formerly Invitae), Labcorp
Classification: Pathogenic for Microcephaly-intellectual disability-sensorineural hearing loss-epilepsy-abnormal muscle tone syndrome. Last evaluated: 2025-10-29. Review status: criteria provided, single submitter. Criteria: Invitae Variant Classification Sherloc (09022015). Collection method: clinical testing. Allele origin: germline.
Comment: This sequence change creates a premature translational stop signal (p.Gln583*) in the SPATA5 gene. It is expected to result in an absent or disrupted protein product. Loss-of-function variants in SPATA5 are known to be pathogenic (PMID: 26299366). This variant is present in population databases (rs777631995, gnomAD 0.01%). This variant has not been reported in the literature in individuals affected with SPATA5-related conditions. ClinVar contains an entry for this variant (Variation ID: 838696). For these reasons, this variant has been classified as Pathogenic.

Variantyx, Inc.
Classification: Pathogenic for Ciliary dyskinesia, primary, 37. Last evaluated: 2025-03-24. Review status: criteria provided, single submitter. Criteria: Variantyx Assertion Criteria 2022. Collection method: clinical testing. Allele origin: paternal. Inheritance: Autosomal recessive inheritance.
Comment: This is a canonical splicing variant in the AFG2A gene (OMIM: 613940). Pathogenic variants in this gene have been associated with autosomal recessive neurodevelopmental disorder with hearing loss, seizures, and brain abnormalities. This splicing variant is expected to result in loss of function, which is a known disease mechanism for AFG2A in this disorder (PMID:26299366) (PVS1). This variant has been reported in the homozygous or compound heterozygous state in at least 2 unrelated affected individuals (PMID: 28293831, 26299366) (PM3). The variant maximum allele frequency in non-founder control populations has been reported as has a 0.0338% (PM2). Based on the current evidence, this variant is classified as pathogenic for autosomal recessive neurodevelopmental disorder with hearing loss, seizures, and brain abnormalities.

Literature cited by the submitters: PubMed 26299366 (cited by Labcorp Genetics (formerly Invitae), Labcorp and Variantyx, Inc.); PubMed 28293831 (cited by Variantyx, Inc.).

NM_145207.3(AFG2A):c.1747C>T (p.Gln583Ter)

Gene: AFG2A (AAA ATPase AFG2A; plus strand). Cytogenetic location: 4q28.1.
Variant type: single nucleotide variant.
Coding change: c.1747C>T on transcript NM_145207.3 (MANE Select); coding-DNA position 1747, C replaced by T.
Protein change: p.Gln583Ter; replaces glutamine 583 with a stop codon.
Molecular consequence: nonsense.
Genome position (GRCh38, 1-based): chr4:122,979,264, C>T. VCF-style: chr4-122979264-C-T. GRCh37 (hg19) VCF-style: chr4-123900419-C-T.
Other names: c.1744C>T, p.Gln582Ter (NM_001317799.2, NM_001345856.2); short protein forms Q583*, Q582*.
Identifiers: ClinVar variation 838696 (VCV000838696.9), dbSNP rs777631995, ClinGen allele CA3070539.